The following is an entry in ClinVar:

ClinVar aggregate classification (germline): Likely benign. Review status: criteria provided, multiple submitters, no conflicts (2 of 4 stars). 7 submissions from 7 submitters: Likely benign (6). 1 of the submissions does not count toward it. Last evaluated 2025-12-16.

Conditions:
CHD7-related disorder. Also called: CHD7-related condition.
Inborn genetic diseases. Identifiers: MedGen C0950123, MeSH D030342.
CHARGE syndrome (CHARGE). Also called: Hittner Hirsch Kreh syndrome; CHARGE ASSOCIATION--COLOBOMA, HEART ANOMALY, CHOANAL ATRESIA, RETARDATION, GENITAL AND EAR ANOMALIES; Coloboma, heart anomaly, choanal atresia, retardation, genital and ear anomalies; CHARGE association; Hall-Hittner syndrome. Identifiers: Orphanet 138, MedGen C0265354, MONDO:0008965.

Allele frequency attached by ClinVar (database versions not stated): ExAC 0.00004; TOPMed 0.00005; gnomAD exomes 0.00006 and 0.00015; gnomAD 0.00007 and 0.00008; ESP Exome Variant Server 0.00008.
gnomAD v4.1: 233 of 1,608,540 alleles (0.014%); highest among the groups gnomAD compares: Non-Finnish European, 0.018%; no homozygotes.

Submissions (7):

Labcorp Genetics (formerly Invitae), Labcorp
Classification: Likely benign for CHARGE syndrome. Last evaluated: 2025-12-16. Review status: criteria provided, single submitter. Criteria: Invitae Variant Classification Sherloc (09022015). Collection method: clinical testing. Allele origin: germline.

Ambry Genetics
Classification: Likely benign for Inborn genetic diseases. Last evaluated: 2024-11-10. Review status: criteria provided, single submitter. Criteria: Ambry Variant Classification Scheme 2023. Collection method: clinical testing. Allele origin: germline.

Blueprint Genetics
Classification: Likely benign. Last evaluated: 2024-09-05. Review status: criteria provided, single submitter. Criteria: ACMG Guidelines, 2015. Collection method: clinical testing. Allele origin: germline.

CeGaT Center for Human Genetics Tuebingen
Classification: Likely benign. Last evaluated: 2023-04-01. Review status: criteria provided, single submitter. Criteria: CeGaT Center For Human Genetics Tuebingen Variant Classification Criteria Version 2. Collection method: clinical testing. Allele origin: germline. Affected: yes. Observed: 2 variant alleles.
Comment: CHD7: BP4, BP7

Laboratory for Molecular Medicine, Mass General Brigham Personalized Medicine
Classification: Likely benign. Last evaluated: 2017-08-23. Review status: criteria provided, single submitter. Criteria: LMM Criteria. Collection method: clinical testing. Allele origin: germline. Observed: 1 variant allele.
Comment: p.Ser2906Ser in exon 38 of CHD7: This variant is not expected to have clinical s ignificance because it does not alter an amino acid residue and is not located w ithin the splice consensus sequence. It has been identified in 0.01% (4/66274) o f European chromosomes by the Exome Aggregation Consortium (ExAC; dbSNP rs372889781).

Genetic Services Laboratory, University of Chicago
Classification: Likely benign. Last evaluated: 2016-03-04. Review status: criteria provided, single submitter. Criteria: ACMG Guidelines, 2015. Collection method: clinical testing. Allele origin: germline. Affected: no.

PreventionGenetics, part of Exact Sciences
Classification: Likely benign for CHD7-related condition. Last evaluated: 2024-04-23. Review status: no assertion criteria provided. Collection method: clinical testing. Allele origin: germline. Not counted in ClinVar's aggregate classification.
Comment: This variant is classified as likely benign based on ACMG/AMP sequence variant interpretation guidelines (Richards et al. 2015 PMID: 25741868, with internal and published modifications).

NM_017780.4(CHD7):c.8718C>T (p.Ser2906=)

Gene: CHD7 (chromodomain helicase DNA binding protein 7; plus strand). Cytogenetic location: 8q12.2.
Variant type: single nucleotide variant.
Coding change: c.8718C>T on transcript NM_017780.4 (MANE Select); coding-DNA position 8718, C replaced by T.
Protein change: p.Ser2906=; no amino-acid change (serine 2906 retained).
Molecular consequence: synonymous variant.
Genome position (GRCh38, 1-based): chr8:60,865,657, C>T. VCF-style: chr8-60865657-C-T. GRCh37 (hg19) VCF-style: chr8-61778216-C-T.
Other names: c.2571C>T, p.Ser857= (NM_001316690.1).
Identifiers: ClinVar variation 434760 (VCV000434760.57), dbSNP rs372889781, ClinGen allele CA4761059.